The following is an entry in ClinVar:

NM_005609.4(PYGM):c.1036del (p.Ala346fs)

Gene: PYGM (glycogen phosphorylase, muscle associated; minus strand). Cytogenetic location: 11q13.1.
Variant type: Deletion.
Coding change: c.1036del on transcript NM_005609.4 (MANE Select); coding-DNA position 1036, one base deleted (G; older notation c.1036delG).
Protein change: p.Ala346fs; shifts the reading frame from alanine 346.
Molecular consequence: frameshift variant.
Genome position (GRCh38, 1-based): chr11:64,754,309, C deleted on the plus strand (G on the coding strand, the reverse complement: PYGM is on the minus strand); the first of 2 consecutive C bases (chr11:64,754,309-64,754,310); deleting either gives the same sequence. VCF-style (leftmost placement, unchanged base first): chr11-64754308-GC-G. GRCh37 (hg19) VCF-style: chr11-64521780-GC-G.
Other names: c.772del, p.Ala258fs (NM_001164716.1); short protein forms A258fs, A346fs.
Identifiers: ClinVar variation 5013974 (VCV005013974.1).

ClinVar aggregate classification (germline): Pathogenic (1 of 4 stars; one submission).

Conditions:
Glycogen storage disease, type V (GSD5). Also called: MCARDLE DISEASE; MUSCLE GLYCOGEN PHOSPHORYLASE DEFICIENCY; MYOPHOSPHORYLASE DEFICIENCY; PYGM DEFICIENCY; McArdle type glycogen storage disease. Identifiers: Orphanet 368, MedGen C0017924, MONDO:0009293, OMIM 232600.

Submission:

Myriad Genetics, Inc.
Classification: Pathogenic for Glycogen storage disease, type V. Last evaluated: 2025-01-16. Review status: criteria provided, single submitter. Criteria: Myriad Autosomal Dominant, Autosomal Recessive and X-Linked Classification Criteria (2023). Collection method: clinical testing. Allele origin: unknown.
Comment: NM_005609.2(PYGM):c.1036delG(A346Pfs*5) is expected to be pathogenic in the context of glycogen storage disease, PYGM-related. This variant is predicted to lead to an abnormal or absent protein product due to the creation of a premature termination codon in PYGM, a gene where loss-of-function variants are known to be pathogenic. Please note: this variant was assessed in the context of healthy population screening.